The following is an entry in ClinVar:

NM_001384140.1(PCDH15):c.3724G>A (p.Val1242Met)

Gene: PCDH15 (protocadherin related 15; minus strand). Cytogenetic location: 10q21.1.
Variant type: single nucleotide variant.
Coding change: c.3724G>A on transcript NM_001384140.1 (MANE Select); coding-DNA position 3724, G replaced by A.
Protein change: p.Val1242Met; replaces valine 1242 with methionine.
Molecular consequence: missense variant.
Genome position (GRCh38, 1-based): chr10:53,857,257, C>T on the plus strand (G>A on the coding strand, the complement: PCDH15 is on the minus strand). VCF-style: chr10-53857257-C-T. GRCh37 (hg19) VCF-style: chr10-55617017-C-T.
Other names: c.3739G>A, p.Val1247Met (NM_001142763.2, NM_001142771.2); c.3724G>A, p.Val1242Met (NM_001142764.2, NM_001142766.2, NM_001142770.3 and 4 more transcripts); c.3511G>A, p.Val1171Met (NM_001142765.2); c.3613G>A, p.Val1205Met (NM_001142767.2); c.3658G>A, p.Val1220Met (NM_001142768.2, NM_001142773.2, NM_001354404.2); c.3760G>A, p.Val1254Met (NM_001142769.4); c.3745G>A, p.Val1249Met (NM_001354411.2); short protein forms V1242M, V1220M, V1205M, V1171M, V1247M, V1249M, V1254M.
Identifiers: ClinVar variation 178521 (VCV000178521.27), dbSNP rs201137087, ClinGen allele CA182484.

ClinVar aggregate classification (germline): Conflicting classifications of pathogenicity. Review status: criteria provided, conflicting classifications (1 of 4 stars). 8 submissions from 8 submitters: Uncertain significance (2); Benign (1); Likely benign (4). 1 of the submissions does not count toward it. Last evaluated 2026-01-25.

Conditions:
PCDH15-related disorder. Also called: PCDH15-related condition; PCDH15-related disorders.
Usher syndrome type 1 (USH1). Also called: RETINITIS PIGMENTOSA AND CONGENITAL DEAFNESS. Identifiers: Orphanet 231169, Orphanet 886, MedGen C1568247, MONDO:0010168, OMIM 276900.
Usher syndrome type 1F (USH1F). Also called: USHER SYNDROME, TYPE IF. Identifiers: Orphanet 231169, Orphanet 886, MedGen C1865885, MONDO:0011186, OMIM 602083.

Allele frequency attached by ClinVar (database versions not stated): ESP Exome Variant Server 0.00008; gnomAD 0.00023 and 0.00026; TOPMed 0.00026; gnomAD exomes 0.00037; ExAC 0.00041.
gnomAD v4.1: 230 of 1,610,120 alleles (0.014%); highest among the groups gnomAD compares: East Asian, 0.29%; 2 homozygotes.

Submissions (8):

Labcorp Genetics (formerly Invitae), Labcorp
Classification: Likely benign. Last evaluated: 2026-01-25. Review status: criteria provided, single submitter. Criteria: Invitae Variant Classification Sherloc (09022015). Collection method: clinical testing. Allele origin: germline.

CeGaT Center for Human Genetics Tuebingen
Classification: Uncertain significance. Last evaluated: 2025-12-01. Review status: criteria provided, single submitter. Criteria: CeGaT Center For Human Genetics Tuebingen Variant Classification Criteria Version 2. Collection method: clinical testing. Allele origin: germline. Affected: yes. Observed: 1 variant allele.
Comment: PCDH15: PP3

PreventionGenetics, part of Exact Sciences
Classification: Likely benign for PCDH15-related condition. Last evaluated: 2025-03-26. Review status: criteria provided, single submitter. Criteria: ACMG Guidelines, 2015. Collection method: clinical testing. Allele origin: germline.
Comment: This variant is classified as likely benign based on ACMG/AMP sequence variant interpretation guidelines (Richards et al. 2015 PMID: 25741868, with internal and published modifications).

Blueprint Genetics
Classification: Likely benign. Last evaluated: 2024-11-07. Review status: criteria provided, single submitter. Criteria: ACMG Guidelines, 2015. Collection method: clinical testing. Allele origin: germline.

Women's Health and Genetics/Laboratory Corporation of America, LabCorp
Classification: Likely benign. Last evaluated: 2022-03-09. Review status: criteria provided, single submitter. Criteria: LabCorp Variant Classification Summary - May 2015. Collection method: clinical testing. Allele origin: germline.
Comment: Variant summary: PCDH15 c.3724G>A (p.Val1242Met) results in a conservative amino acid change located in the Cadherin-like domain of the encoded protein sequence. Four of five in-silico tools predict a damaging effect of the variant on protein function. The variant allele was found at a frequency of 0.00037 in 250950 control chromosomes, predominantly at a frequency of 0.0046 within the East Asian subpopulation in the gnomAD database. The observed variant frequency within East Asian control individuals in the gnomAD database is approximately 1.45 fold of the estimated maximal expected allele frequency for a pathogenic variant in PCDH15 causing Usher Syndrome Type 1F phenotype (0.0032), strongly suggesting that the variant is a benign polymorphism found primarily in populations of East Asian origin. c.3724G>A has been reported in the literature in individuals affected with Usher Syndrome Type 1, hereditary hearing loss and inherited retinal dystrophies (Yoshimura_2014, Chen_2016, Liu_2020). These reports do not provide unequivocal conclusions about association of the variant with Usher Syndrome Type 1F. To our knowledge, no experimental evidence demonstrating an impact on protein function has been reported. Four clinical diagnostic laboratories have submitted clinical-significance assessments for this variant to ClinVar after 2014 without evidence for independent evaluation. Three labs classified as likely benign/benign while one classified as VUS. Based on the evidence outlined above, the variant was classified as likely benign.

Illumina Laboratory Services, Illumina
Classification: Uncertain significance for Usher syndrome type 1. Last evaluated: 2017-04-27. Review status: criteria provided, single submitter. Criteria: ICSL Variant Classification Criteria 13 December 2019. Collection method: clinical testing. Allele origin: germline.
Comment: This variant was observed as part of a predisposition screen in an ostensibly healthy population. A literature search was performed for the gene, cDNA change, and amino acid change (where applicable). Publications were found based on this search. However, the evidence from the literature, in combination with allele frequency data from public databases where available, was not sufficient to rule this variant in or out of causing disease. Therefore, this variant is classified as a variant of unknown significance.

Laboratory for Molecular Medicine, Mass General Brigham Personalized Medicine
Classification: Benign. Last evaluated: 2016-11-01. Review status: criteria provided, single submitter. Criteria: LMM Criteria. Collection method: clinical testing. Allele origin: germline. Observed: 3 variant alleles.
Comment: p.Val1242Met in exon 28 of PCDH15: This variant is not expected to have clinical significance because it has been identified in 0.5% (47/8638) of East Asian chr omosomes by the Exome Aggregation Consortium (ExAC, rg; dbSNP rs201137087).

Natera, Inc.
Classification: Likely benign for Usher syndrome type 1F. Last evaluated: 2019-12-26. Review status: no assertion criteria provided. Collection method: clinical testing. Allele origin: germline. Not counted in ClinVar's aggregate classification.

Literature cited by the submitters: PubMed 24618850 (cited by 3 submitters); PubMed 27610647 (cited by Women's Health and Genetics/Laboratory Corporation of America, LabCorp); PubMed 33090715 (cited by Women's Health and Genetics/Laboratory Corporation of America, LabCorp).